The following is an entry in ClinVar:

ClinVar aggregate classification (germline): Uncertain significance (1 of 4 stars; one submission).

Submission:

CeGaT Center for Human Genetics Tuebingen
Classification: Uncertain significance. Last evaluated: 2025-05-01. Review status: criteria provided, single submitter. Criteria: CeGaT Center For Human Genetics Tuebingen Variant Classification Criteria Version 2. Collection method: clinical testing. Allele origin: germline. Affected: yes. Observed: 1 variant allele.
Comment: SPTBN1: PM2

NM_003128.3(SPTBN1):c.2497_2498delinsTT (p.Glu833Leu)

Gene: SPTBN1 (spectrin beta, non-erythrocytic 1; plus strand). Cytogenetic location: 2p16.2.
Variant type: Indel.
Coding change: c.2497_2498delinsTT on transcript NM_003128.3 (MANE Select); coding-DNA positions 2497 to 2498, GA replaced by TT.
Protein change: p.Glu833Leu; replaces glutamic acid 833 with leucine.
Molecular consequence: missense variant.
Genome position (GRCh38, 1-based): chr2:54,629,631-54,629,632, GA replaced by TT. VCF-style: chr2-54629631-GA-TT. GRCh37 (hg19) VCF-style: chr2-54856768-GA-TT.
Other names: c.2458_2459delinsTT, p.Glu820Leu (NM_178313.3); short protein forms E820L, E833L.
Identifiers: ClinVar variation 3906111 (VCV003906111.10).